The following is an entry in ClinVar:

NM_001256071.3(RNF213):c.9952A>G (p.Ile3318Val)

Gene: RNF213 (ring finger protein 213; plus strand). Cytogenetic location: 17q25.3.
Variant type: single nucleotide variant.
Coding change: c.9952A>G on transcript NM_001256071.3 (MANE Select); coding-DNA position 9952, A replaced by G.
Protein change: p.Ile3318Val; replaces isoleucine 3318 with valine.
Molecular consequence: missense variant.
Genome position (GRCh38, 1-based): chr17:80,349,770, A>G. VCF-style: chr17-80349770-A-G. GRCh37 (hg19) VCF-style: chr17-78323570-A-G.
Other names: short protein forms I3318V.
Identifiers: ClinVar variation 714117 (VCV000714117.36), dbSNP rs147785564, ClinGen allele CA8821256.
Genomic context (GRCh38, chr17:80,349,770, plus strand): 5'-AGCAGACTTGCAACCTTTCCTTGAAGTCTGGCAAGTAATTTGCATTTCTTAACTCTGTAG[A>G]TCACCACTTTCTCCAGGCTGCTAACAAGTCACGACTGTGAAATTTTAGAATCAGAGGTCA-3'
Protein context (NP_001243000.2, residues 3308-3328): DLERHAIFTE[Ile3318Val]TTFSRLLTSH

ClinVar aggregate classification (germline): Benign/Likely benign. Review status: criteria provided, multiple submitters, no conflicts (2 of 4 stars). 5 submissions from 5 submitters: Benign (2); Likely benign (2). 1 of the submissions does not count toward it. Last evaluated 2025-10-18.

Conditions:
RNF213-related disorder. Also called: RNF213-related condition.

Allele frequency attached by ClinVar (database versions not stated): 1000 Genomes Project 30x 0.00156; 1000 Genomes Project 0.00180; gnomAD 0.00193 and 0.00197; TOPMed 0.00209; ESP Exome Variant Server 0.00215; gnomAD exomes 0.00245 and 0.00302; ExAC 0.00256.
gnomAD v4.1: 4,674 of 1,614,032 alleles (0.29%); highest among the groups gnomAD compares: Middle Eastern, 0.91%; 13 homozygotes.

Submissions (5):

Labcorp Genetics (formerly Invitae), Labcorp
Classification: Benign. Last evaluated: 2025-10-18. Review status: criteria provided, single submitter. Criteria: Invitae Variant Classification Sherloc (09022015). Collection method: clinical testing. Allele origin: germline.

Blueprint Genetics
Classification: Likely benign. Last evaluated: 2024-11-25. Review status: criteria provided, single submitter. Criteria: ACMG Guidelines, 2015. Collection method: clinical testing. Allele origin: germline.

CeGaT Center for Human Genetics Tuebingen
Classification: Likely benign. Last evaluated: 2023-03-01. Review status: criteria provided, single submitter. Criteria: CeGaT Center For Human Genetics Tuebingen Variant Classification Criteria Version 2. Collection method: clinical testing. Allele origin: germline. Affected: yes. Observed: 1 variant allele.
Comment: RNF213: BP4, BS2

Breakthrough Genomics
Classification: Benign. Review status: criteria provided, single submitter. Criteria: ACMG Guidelines, 2015. Collection method: not provided. Allele origin: germline. Inheritance: Autosomal dominant inheritance. Affected: yes.

PreventionGenetics, part of Exact Sciences
Classification: Likely benign for RNF213-related condition. Last evaluated: 2022-11-07. Review status: no assertion criteria provided. Collection method: clinical testing. Allele origin: germline. Not counted in ClinVar's aggregate classification.
Comment: This variant is classified as likely benign based on ACMG/AMP sequence variant interpretation guidelines (Richards et al. 2015 PMID: 25741868, with internal and published modifications).